The following is an entry in ClinVar:

ClinVar aggregate classification (germline): Likely benign. Review status: criteria provided, multiple submitters, no conflicts (2 of 4 stars). 3 submissions from 3 submitters: Likely benign (3). Last evaluated 2025-11-26.

Conditions:
SLC12A5-related disorder. Also called: SLC12A5-related condition.
Developmental and epileptic encephalopathy, 34 (DEE34). Also called: Early infantile epileptic encephalopathy 34; SLC12A5-Related Epilepsy of Infancy with Migrating Focal Seizures. Identifiers: Orphanet 293181, MedGen C4225257, MONDO:0014718, OMIM 616645.

Allele frequency attached by ClinVar (database versions not stated): TOPMed 0.00002; gnomAD exomes 0.00003 and 0.00008; gnomAD 0.00005; ESP Exome Variant Server 0.00008; ExAC 0.00010.
gnomAD v4.1: 54 of 1,606,550 alleles (0.0034%); highest among the groups gnomAD compares: Middle Eastern, 0.016%; no homozygotes.

Submissions (3):

PreventionGenetics, part of Exact Sciences
Classification: Likely benign for SLC12A5-related condition. Last evaluated: 2025-11-26. Review status: criteria provided, single submitter. Criteria: ACMG Guidelines, 2015. Collection method: clinical testing. Allele origin: germline.
Comment: This variant is classified as likely benign based on ACMG/AMP sequence variant interpretation guidelines (Richards et al. 2015 PMID: 25741868, with internal and published modifications).

Labcorp Genetics (formerly Invitae), Labcorp
Classification: Likely benign for Developmental and epileptic encephalopathy, 34. Last evaluated: 2025-02-12. Review status: criteria provided, single submitter. Criteria: Invitae Variant Classification Sherloc (09022015). Collection method: clinical testing. Allele origin: germline.

Blueprint Genetics
Classification: Likely benign. Last evaluated: 2024-10-25. Review status: criteria provided, single submitter. Criteria: ACMG Guidelines, 2015. Collection method: clinical testing. Allele origin: germline.

NM_020708.5(SLC12A5):c.2289C>T (p.Leu763=)

Gene: SLC12A5 (solute carrier family 12 member 5; plus strand). Cytogenetic location: 20q13.12.
Variant type: single nucleotide variant.
Coding change: c.2289C>T on transcript NM_020708.5 (MANE Select); coding-DNA position 2289, C replaced by T.
Protein change: p.Leu763=; no amino-acid change (leucine 763 retained).
Molecular consequence: synonymous variant.
Genome position (GRCh38, 1-based): chr20:46,051,782, C>T. VCF-style: chr20-46051782-C-T. GRCh37 (hg19) VCF-style: chr20-44680421-C-T.
Other names: c.2358C>T, p.Leu786= (NM_001134771.2).
Identifiers: ClinVar variation 757259 (VCV000757259.11), dbSNP rs138144890, ClinGen allele CA9887565.